The following is an entry in ClinVar:

NM_006218.4(PIK3CA):c.422G>A (p.Arg141Lys)

Gene: PIK3CA (phosphatidylinositol-4,5-bisphosphate 3-kinase catalytic subunit alpha; plus strand). Cytogenetic location: 3q26.32.
Variant type: single nucleotide variant.
Coding change: c.422G>A on transcript NM_006218.4 (MANE Select); coding-DNA position 422, G replaced by A.
Protein change: p.Arg141Lys; replaces arginine 141 with lysine.
Molecular consequence: missense variant.
Genome position (GRCh38, 1-based): chr3:179,199,759, G>A. VCF-style: chr3-179199759-G-A. GRCh37 (hg19) VCF-style: chr3-178917547-G-A.
Other names: short protein forms R141K.
Identifiers: ClinVar variation 1365721 (VCV001365721.6), dbSNP rs200619412, ClinGen allele CA88557095.

ClinVar aggregate classification (germline): Uncertain significance (1 of 4 stars; one submission).

Conditions:
Cowden syndrome (CS). Also called: Cowden's disease; Cowden's syndrome; Cowden disease. Identifiers: Orphanet 201, MedGen C0018553, MONDO:0016063. Disease mechanism: gain of function.

Allele frequency attached by ClinVar (database versions not stated): TOPMed below 0.00001; gnomAD 0.00001.

Submission:

Labcorp Genetics (formerly Invitae), Labcorp
Classification: Uncertain significance for Cowden syndrome. Last evaluated: 2025-10-01. Review status: criteria provided, single submitter. Criteria: Invitae Variant Classification Sherloc (09022015). Collection method: clinical testing. Allele origin: germline.
Comment: This sequence change replaces arginine, which is basic and polar, with lysine, which is basic and polar, at codon 141 of the PIK3CA protein (p.Arg141Lys). This variant is not present in population databases (gnomAD no frequency). This variant has not been reported in the literature in individuals affected with PIK3CA-related conditions. ClinVar contains an entry for this variant (Variation ID: 1365721). Invitae Evidence Modeling of protein sequence and biophysical properties (such as structural, functional, and spatial information, amino acid conservation, physicochemical variation, residue mobility, and thermodynamic stability) has been performed for this missense variant. However, the output from this modeling did not meet the statistical confidence thresholds required to predict the impact of this variant on PIK3CA protein function. In summary, the available evidence is currently insufficient to determine the role of this variant in disease. Therefore, it has been classified as a Variant of Uncertain Significance.